The following is an entry in ClinVar:

NM_014712.3(SETD1A):c.2625C>T (p.Ile875=)

Gene: SETD1A (SET domain containing 1A, histone lysine methyltransferase; plus strand). Cytogenetic location: 16p11.2.
Variant type: single nucleotide variant.
Coding change: c.2625C>T on transcript NM_014712.3 (MANE Select); coding-DNA position 2625, C replaced by T.
Protein change: p.Ile875=; no amino-acid change (isoleucine 875 retained).
Molecular consequence: synonymous variant.
Genome position (GRCh38, 1-based): chr16:30,967,003, C>T. VCF-style: chr16-30967003-C-T. GRCh37 (hg19) VCF-style: chr16-30978324-C-T.
Identifiers: ClinVar variation 3044295 (VCV003044295.2), dbSNP rs11866157, ClinGen allele CA8016972.

ClinVar aggregate classification (germline): Likely benign (0 of 4 stars; one submission).

Conditions:
SETD1A-related disorder. Also called: SETD1A-related condition.

gnomAD v4.1: 157 of 1,598,260 alleles (0.0098%); highest among the groups gnomAD compares: East Asian, 0.016%; no homozygotes.

Submission:

PreventionGenetics, part of Exact Sciences
Classification: Likely benign for SETD1A-related condition. Last evaluated: 2019-05-31. Review status: no assertion criteria provided. Collection method: clinical testing. Allele origin: germline.
Comment: This variant is classified as likely benign based on ACMG/AMP sequence variant interpretation guidelines (Richards et al. 2015 PMID: 25741868, with internal and published modifications).